The following is an entry in ClinVar:

ClinVar aggregate classification (germline): Pathogenic (1 of 4 stars; one submission).

Conditions:
Breast-ovarian cancer, familial, susceptibility to, 2 (BROVCA2). Also called: BRCA2 Hereditary Breast and Ovarian Cancer. Identifiers: Orphanet 145, MedGen C2675520, MONDO:0012933, OMIM 612555. Disease mechanism: loss of function.

Submission:

Myriad Genetics, Inc.
Classification: Pathogenic for Breast-ovarian cancer, familial, susceptibility to, 2. Last evaluated: 2026-05-07. Review status: criteria provided, single submitter. Criteria: Myriad Autosomal Dominant, Autosomal Recessive and X-Linked Classification Criteria (2023). Collection method: clinical testing. Allele origin: unknown.
Comment: This variant is considered pathogenic. This variant creates a frameshift predicted to result in premature protein truncation.

NM_000059.4(BRCA2):c.3089_3100delinsATCT (p.Phe1030fs)

Gene: BRCA2 (BRCA2 DNA repair associated; plus strand). Cytogenetic location: 13q13.1.
Variant type: Indel.
Coding change: c.3089_3100delinsATCT on transcript NM_000059.4 (MANE Select); coding-DNA positions 3089 to 3100, TCTTCAAAGATA replaced by ATCT.
Protein change: p.Phe1030fs; shifts the reading frame from phenylalanine 1030.
Molecular consequence: frameshift variant. On other transcripts: non-coding transcript variant (1), intron variant (2).
Genome position (GRCh38, 1-based): chr13:32,337,444-32,337,455, TCTTCAAAGATA replaced by ATCT. VCF-style: chr13-32337444-TCTTCAAAGATA-ATCT. GRCh37 (hg19) VCF-style: chr13-32911581-TCTTCAAAGATA-ATCT.
Other names: c.3089_3100delinsATCT, p.Phe1030fs (NM_001406719.1, NM_001406720.1, NM_001432077.1); c.1909+4057_1909+4068delinsATCT (NM_001406721.1); c.424+6414_424+6425delinsATCT (NM_001406722.1); short protein forms F1030fs.
Identifiers: ClinVar variation 4876037 (VCV004876037.1).
Genomic context (GRCh38, chr13:32,337,444, plus strand): 5'-GAACAGCTTCAAATAAGGAAATCAAGCTCTCTGAACATAACATTAAGAAGAGCAAAATGT[TCTTCAAAGATA>ATCT]TTGAAGAACAATATCCTACTAGTTTAGCTTGTGTTGAAATTGTAAATACCTTGGCATTAG-3'